The following continues an entry in ClinVar:

NM_001042492.3(NF1):c.7348C>T (p.Arg2450Ter)

Gene: NF1. ClinVar aggregate classification (germline): Pathogenic. Pathogenic (23).

Submissions 17 to 24 of 24:

Athena Diagnostics
Classification: Pathogenic. Last evaluated: 2020-03-02. Review status: criteria provided, single submitter. Criteria: Athena Diagnostics Criteria. Collection method: clinical testing. Allele origin: unknown.
Comment: The variant creates a premature nonsense codon, and is therefore predicted to result in the loss of a functional protein. Found in at least one patient with expected phenotype for this gene, and not found in general population data.

Quest Diagnostics Nichols Institute San Juan Capistrano
Classification: Pathogenic. Last evaluated: 2020-03-02. Review status: criteria provided, single submitter. Criteria: Quest Diagnostics criteria. Collection method: clinical testing. Allele origin: unknown.
Comment: the same text as in the submission from Athena Diagnostics above.

Medical Genetics, University of Parma
Classification: Pathogenic for Neurofibromatosis, type 1. Last evaluated: 2019-12-20. Review status: criteria provided, single submitter. Criteria: ACMG Guidelines, 2015. Collection method: clinical testing. Allele origin: germline. Affected: yes.

ARUP Laboratories, Molecular Genetics and Genomics, ARUP Laboratories
Classification: Pathogenic. Last evaluated: 2018-09-14. Review status: criteria provided, single submitter. Criteria: ARUP Molecular Germline Variant Investigation Process. Collection method: clinical testing. Allele origin: germline.
Comment: The NF1 c.7348C>T; p.Arg2450Ter variant (rs786202457) is reported in the literature in multiple individuals affected with neurofibromatosis type I (Fahsold 2000, Griffiths 2007, Lee 2006). This variant is reported as pathogenic by multiple laboratories in ClinVar (Variation ID: 185789), and is absent from general population databases (1000 Genomes Project, Exome Variant Server, Genome Aggregation Database), indicating it is not a common polymorphism. The variant induces an early termination codon, and is predicted to result in a truncated protein or mRNA subject to nonsense-mediated decay. Based on available information, the p.Arg2450Ter variant is considered to be pathogenic. References: Fahsold R et al. Minor lesion mutational spectrum of the entire NF1 gene does not explain its high mutability but points to a functional domain upstream of the GAP-related domain. Am J Hum Genet. 2000; 66(3):790-818. Griffiths S et al. Molecular diagnosis of neurofibromatosis type 1: 2 years experience. Fam Cancer. 2007;6(1):21-34. Lee MJ et al. Identification of forty-five novel and twenty-three known NF1 mutations in Chinese patients with neurofibromatosis type 1. Hum Mutat. 2006 Aug;27(8):832.

Centre for Mendelian Genomics, University Medical Centre Ljubljana
Classification: Pathogenic for Lisch nodules; Subcutaneous neurofibroma. Last evaluated: 2015-09-28. Review status: criteria provided, single submitter. Criteria: ACMG Guidelines, 2015. Collection method: clinical testing. Allele origin: unknown. Affected: yes.

Ambry Genetics
Classification: Pathogenic for Hereditary cancer-predisposing syndrome. Last evaluated: 2014-08-07. Review status: criteria provided, single submitter. Criteria: Ambry Autosomal Dominant and X-Linked criteria (10/2015). Collection method: clinical testing. Allele origin: germline. Observed: 1 variant allele.
Comment: The p.R2450* pathogenic mutation (also known as c.7348C>T) located in coding exon 50 of the NF1 gene, results from a C to T substitution at nucleotide position 7348. This changes the amino acid from an arginine to a stop codon within coding exon 50. Since premature stop codons are typically deleterious in nature, this alteration is interpreted as a disease-causing mutation (ACMG Recommendations for Standards for Interpretation and Reporting of Sequence Variations. Revision 2007. Genet Med. 2008;10:294).

Kasturba Medical College, Manipal, Kasturba Medical College, Manipal, Manipal Academy of Higher Education, Manipal, India
Classification: Pathogenic for Neurofibromatosis, type 1. Review status: criteria provided, single submitter. Criteria: ACMG Guidelines, 2015. Collection method: research. Allele origin: maternal. Inheritance: Autosomal dominant inheritance. Affected: yes. Observed: 1 heterozygote.
Comment: This variant is observed in an individual in heterozygous state in gnomAD (v4.1.0) population database and absent in our in-house data of 3748 exomes. The variant c.7348C>T likely introduces a premature termination codon, which may either result in a formation of truncated protein product or cause the transcript to undergo nonsense-medicated mRNA decay

Laboratory of Urology, Hospital Clinic de Barcelona
Classification: Pathogenic for Malignant tumor of urinary bladder. Review status: no assertion criteria provided. Collection method: research. Allele origin: somatic. Affected: yes. Not counted in ClinVar's aggregate classification.

Literature cited by the submitters: PubMed 10712197 (cited by 6 submitters); PubMed 10678181 (cited by Women's Health and Genetics/Laboratory Corporation of America, LabCorp); PubMed 23460398 (cited by Women's Health and Genetics/Laboratory Corporation of America, LabCorp); PubMed 29872168 (cited by Women's Health and Genetics/Laboratory Corporation of America, LabCorp); PubMed 27069254 (cited by Women's Health and Genetics/Laboratory Corporation of America, LabCorp); PubMed 23913538 (cited by Labcorp Genetics (formerly Invitae), Labcorp); PubMed 16835897 (cited by 4 submitters); PubMed 16944272 (cited by 4 submitters); PubMed 25074460 (cited by Labcorp Genetics (formerly Invitae), Labcorp and Dasa); PubMed 30290804 (cited by Kasturba Medical College, Manipal, Kasturba Medical College, Manipal, Manipal Academy of Higher Education, Manipal, India).